The following is an entry in ClinVar:

ClinVar aggregate classification (germline): Benign (1 of 4 stars; one submission).

Submission:

Laboratory for Molecular Medicine, Mass General Brigham Personalized Medicine
Classification: Benign. Last evaluated: 2016-03-29. Review status: criteria provided, single submitter. Criteria: LMM Criteria. Collection method: clinical testing. Allele origin: germline.
Comment: Variant identified in a genome or exome case(s) and assessed due to predicted null impact of the variant or pathogenic assertions in the literature or databases. Disclaimer: This variant has not undergone full assessment. The following are preliminary notes: Frequency

NM_031420.4(MRPL9):c.589-27_589-26dup

Gene: MRPL9 (mitochondrial ribosomal protein L9; minus strand). Cytogenetic location: 1q21.3.
Variant type: Duplication.
Coding change: c.589-27_589-26dup on transcript NM_031420.4 (MANE Select); 27 bases into the intron before coding-DNA position 589 through 26 bases into the intron before coding-DNA position 589, 2 bases duplicated (TT; older notation c.589-27_589-26dupTT).
Molecular consequence: intron variant.
Genome position (GRCh38, 1-based): chr1:151,760,904-151,760,905, AA duplicated on the plus strand (TT on the coding strand, the reverse complement: MRPL9 is on the minus strand); duplicating any 2 consecutive bases within chr1:151,760,904-151,760,926 gives the same sequence; the c. name uses the placement nearest the transcript's 3' end. VCF-style (leftmost placement, unchanged base first): chr1-151760903-C-CAA. GRCh37 (hg19) VCF-style: chr1-151733379-C-CAA.
Other names: NM_031420.2:c.589-6_589-5dupTT; c.487-27_487-26dup (NM_001300733.2).
Identifiers: ClinVar variation 403108 (VCV000403108.4), dbSNP rs755031728, ClinGen allele CA1094323.